The following is an entry in ClinVar:

Conditions:
Long QT syndrome 5 (LQT5). Identifiers: Orphanet 101016, Orphanet 768, MedGen C1867904, MONDO:0013372, OMIM 613695.

Submission:

Roden Lab, Vanderbilt University Medical Center
No classification provided (evidence only). Condition: Long QT syndrome 5. Review status: no classification provided. Collection method: in vitro. Allele origin: not applicable. Functional consequence: Effect on ion channel function.
ClinVar note: "not provided" was previously submitted as the classification for the variant. However, the classification appeared to be based only on an observation of functional data so it was converted to no classification on 2025-07-30.

NM_000219.6(KCNE1):c.251C>A (p.Ser84Tyr)

Gene: KCNE1 (potassium voltage-gated channel subfamily E regulatory subunit 1; minus strand). Cytogenetic location: 21q22.12.
Variant type: single nucleotide variant.
Coding change: c.251C>A on transcript NM_000219.6 (MANE Select); coding-DNA position 251, C replaced by A.
Protein change: p.Ser84Tyr; replaces serine 84 with tyrosine.
Molecular consequence: missense variant.
Genome position (GRCh38, 1-based): chr21:34,449,384, G>T on the plus strand (C>A on the coding strand, the complement: KCNE1 is on the minus strand). VCF-style: chr21-34449384-G-T. GRCh37 (hg19) VCF-style: chr21-35821682-G-T.
Other names: c.251C>A, p.Ser84Tyr (NM_001127668.4, NM_001127669.4, NM_001127670.4 and 4 more transcripts); short protein forms S84Y.
Identifiers: ClinVar variation 3374440 (VCV003374440.2).
Genomic context (GRCh38, chr21:34,449,384, plus strand): 5'-CTGTAGCTCTCCAGGACCCGGGCCTGGACATAGGCCTTGTCCTTCTCTTGCCAGGCATCG[G>T]ACTCGATGTAGACGTTGAATGGGTCGTTCGAGTGCTCCAGCTTCTTGGAGCGGATGTAGC-3'
Protein context (NP_000210.2, residues 74-94): SNDPFNVYIE[Ser84Tyr]DAWQEKDKAY